The following is an entry in ClinVar:

NM_012431.3(SEMA3E):c.1198G>T (p.Asp400Tyr)

Gene: SEMA3E (semaphorin 3E; minus strand). Cytogenetic location: 7q21.11.
Variant type: single nucleotide variant.
Coding change: c.1198G>T on transcript NM_012431.3 (MANE Select); coding-DNA position 1198, G replaced by T.
Protein change: p.Asp400Tyr; replaces aspartic acid 400 with tyrosine.
Molecular consequence: missense variant.
Genome position (GRCh38, 1-based): chr7:83,400,196, C>A on the plus strand (G>T on the coding strand, the complement: SEMA3E is on the minus strand). VCF-style: chr7-83400196-C-A. GRCh37 (hg19) VCF-style: chr7-83029512-C-A.
Other names: c.1018G>T, p.Asp340Tyr (NM_001178129.2); short protein forms D340Y, D400Y.
Identifiers: ClinVar variation 939461 (VCV000939461.4), dbSNP rs766917020, ClinGen allele CA4322085.

ClinVar aggregate classification (germline): Uncertain significance. Review status: criteria provided, multiple submitters, no conflicts (2 of 4 stars). 2 submissions from 2 submitters: Uncertain significance (2). Last evaluated 2025-12-26.

Conditions:
CHARGE syndrome (CHARGE). Also called: Hittner Hirsch Kreh syndrome; Coloboma, heart anomaly, choanal atresia, retardation, genital and ear anomalies; CHARGE association; Hall-Hittner syndrome; CHARGE ASSOCIATION--COLOBOMA, HEART ANOMALY, CHOANAL ATRESIA, RETARDATION, GENITAL AND EAR ANOMALIES. Identifiers: Orphanet 138, MedGen C0265354, MONDO:0008965.

Allele frequency attached by ClinVar (database versions not stated): gnomAD exomes below 0.00001 and 0.00001; TOPMed below 0.00001; ExAC 0.00002.
gnomAD v4.1: 4 of 1,613,928 alleles (0.00025%); highest among the groups gnomAD compares: Non-Finnish European, 0.00034%; no homozygotes.

Submissions (2):

Labcorp Genetics (formerly Invitae), Labcorp
Classification: Uncertain significance for CHARGE syndrome. Last evaluated: 2025-12-26. Review status: criteria provided, single submitter. Criteria: Invitae Variant Classification Sherloc (09022015). Collection method: clinical testing. Allele origin: germline.
Comment: This sequence change replaces aspartic acid, which is acidic and polar, with tyrosine, which is neutral and polar, at codon 400 of the SEMA3E protein (p.Asp400Tyr). This variant is present in population databases (rs766917020, gnomAD 0.002%). This variant has not been reported in the literature in individuals affected with SEMA3E-related conditions. ClinVar contains an entry for this variant (Variation ID: 939461). Invitae Evidence Modeling of protein sequence and biophysical properties (such as structural, functional, and spatial information, amino acid conservation, physicochemical variation, residue mobility, and thermodynamic stability) indicates that this missense variant is expected to disrupt SEMA3E protein function with a positive predictive value of 80%. In summary, the available evidence is currently insufficient to determine the role of this variant in disease. Therefore, it has been classified as a Variant of Uncertain Significance.

Ambry Genetics
Classification: Uncertain significance. Last evaluated: 2023-08-15. Review status: criteria provided, single submitter. Criteria: Ambry Variant Classification Scheme 2023. Collection method: clinical testing. Allele origin: germline.